The following is an entry in ClinVar:

NM_000088.4(COL1A1):c.1668+16C>T

Gene: COL1A1 (collagen type I alpha 1 chain; minus strand). Cytogenetic location: 17q21.33.
Variant type: single nucleotide variant.
Coding change: c.1668+16C>T on transcript NM_000088.4 (MANE Select); 16 bases into the intron after coding-DNA position 1668, C replaced by T.
Molecular consequence: intron variant.
Genome position (GRCh38, 1-based): chr17:50,194,114, G>A on the plus strand (C>T on the coding strand, the complement: COL1A1 is on the minus strand). VCF-style: chr17-50194114-G-A. GRCh37 (hg19) VCF-style: chr17-48271475-G-A.
Identifiers: ClinVar variation 391134 (VCV000391134.11), dbSNP rs41316659, ClinGen allele CA8645157.
Genomic context (GRCh38, chr17:50,194,114, plus strand): 5'-GGCACGAAAGCAGCAGTGAGGACAGCAGGGAGGCAGACAGGACAATGGCAGGGGGTTCAG[G>A]GGGAGTGATACTTACAGGGGGGCCAGTTTTGCCATCAGGACCAGGGCTGCCAGGGCTTCC-3'

ClinVar aggregate classification (germline): Benign/Likely benign. Review status: criteria provided, multiple submitters, no conflicts (2 of 4 stars). 4 submissions from 4 submitters: Benign (2); Likely benign (2). Last evaluated 2026-03-31.

Conditions:
Osteogenesis imperfecta type I (OI1). Also called: Lobstein disease; Osteogenesis imperfecta type 1; Lobstein's Disease; Classic Non-deforming Osteogenesis Imperfecta with Blue Sclerae; OI, TYPE I; OSTEOGENESIS IMPERFECTA TARDA. Identifiers: Orphanet 216796, Orphanet 666, MedGen C0023931, MONDO:0008146, OMIM 166200. Disease mechanism: loss of function.

Allele frequency attached by ClinVar (database versions not stated): gnomAD exomes 0.00014 and 0.00039; ExAC 0.00045; ESP Exome Variant Server 0.00085; gnomAD 0.00154 and 0.00160; 1000 Genomes Project 0.00260; 1000 Genomes Project 30x 0.00281; TOPMed 0.00172.

Submissions (4):

Women's Health and Genetics/Laboratory Corporation of America, LabCorp
Classification: Benign. Last evaluated: 2026-03-31. Review status: criteria provided, single submitter. Criteria: LabCorp Variant Classification Summary - May 2015. Collection method: clinical testing. Allele origin: germline.

Labcorp Genetics (formerly Invitae), Labcorp
Classification: Benign for Osteogenesis imperfecta type I. Last evaluated: 2026-01-26. Review status: criteria provided, single submitter. Criteria: Invitae Variant Classification Sherloc (09022015). Collection method: clinical testing. Allele origin: germline.

Blueprint Genetics
Classification: Likely benign. Last evaluated: 2024-06-27. Review status: criteria provided, single submitter. Criteria: ACMG Guidelines, 2015. Collection method: clinical testing. Allele origin: germline.

GeneDx
Classification: Likely benign. Last evaluated: 2017-12-29. Review status: criteria provided, single submitter. Criteria: GeneDx Variant Classification (06012015). Collection method: clinical testing. Allele origin: germline. Affected: yes.
Comment: This variant is considered likely benign or benign based on one or more of the following criteria: it is a conservative change, it occurs at a poorly conserved position in the protein, it is predicted to be benign by multiple in silico algorithms, and/or has population frequency not consistent with disease.